The following is an entry in ClinVar:

NM_147686.4(TRAF3IP2):c.28G>A (p.Asp10Asn)

Genes: TRAF3IP2 (TRAF3 interacting protein 2; minus strand), TRAF3IP2-AS1 (TRAF3IP2 antisense RNA 1; plus strand). Cytogenetic location: 6q21.
Variant type: single nucleotide variant.
Coding change: c.28G>A on transcript NM_147686.4 (MANE Select); coding-DNA position 28, G replaced by A.
Protein change: p.Asp10Asn; replaces aspartic acid 10 with asparagine.
Molecular consequence: missense variant.
Genome position (GRCh38, 1-based): chr6:111,592,059, C>T on the plus strand (G>A on the coding strand, the complement: TRAF3IP2 is on the minus strand). VCF-style: chr6-111592059-C-T. GRCh37 (hg19) VCF-style: chr6-111913262-C-T.
Other names: TRAF3IP2, ASP19ASN (rs33980500); c.28G>A, p.Asp10Asn (NM_001164281.3); c.55G>A, p.Asp19Asn (NM_147200.3); short protein forms D19N, D10N.
Identifiers: ClinVar variation 30630 (VCV000030630.18), dbSNP rs33980500, ClinGen allele CA129379.

ClinVar aggregate classification (germline): Benign/Likely benign. Review status: criteria provided, multiple submitters, no conflicts (2 of 4 stars). 5 submissions from 5 submitters: Benign (3); Likely benign (1). 1 of the submissions does not count toward it. Last evaluated 2026-02-04.

Conditions:
Candidiasis, familial, 8 (CANDF8). Identifiers: Orphanet 1334, MedGen C3714992, MONDO:0014230, OMIM 615527.
Psoriasis 13, susceptibility to. Identifiers: MedGen C3279754, MONDO:0013554, OMIM 614070.

Allele frequency attached by ClinVar (database versions not stated): gnomAD exomes 0.07721 and 0.08556; ExAC 0.08248; 1000 Genomes Project 0.08367; 1000 Genomes Project 30x 0.08651; gnomAD 0.09528 and 0.09825; ESP Exome Variant Server 0.09880; TOPMed 0.10165.

Submissions (23):

Labcorp Genetics (formerly Invitae), Labcorp
Classification: Benign for Candidiasis, familial, 8. Last evaluated: 2026-02-04. Review status: criteria provided, single submitter. Criteria: Invitae Variant Classification Sherloc (09022015). Collection method: clinical testing. Allele origin: germline.

Blueprint Genetics
Classification: Likely benign. Last evaluated: 2024-11-26. Review status: criteria provided, single submitter. Criteria: ACMG Guidelines, 2015. Collection method: clinical testing. Allele origin: germline.

Unidad de Genómica Garrahan, Hospital de Pediatría Garrahan
Classification: Benign. Last evaluated: 2024-01-24. Review status: criteria provided, single submitter. Criteria: ACMG Guidelines, 2015. Collection method: clinical testing. Allele origin: germline. Affected: no. Observed: 24 variant alleles.
Comment: This variant is classified as Benign based on local population frequency. This variant was detected in 25% of patients studied by a panel of primary immunodeficiencies. Number of patients: 24. Only high quality variants are reported.

Laboratory for Molecular Medicine, Mass General Brigham Personalized Medicine
Classification: Benign. Last evaluated: 2016-03-29. Review status: criteria provided, single submitter. Criteria: LMM Criteria. Collection method: clinical testing. Allele origin: germline.
Comment: Variant identified in a genome or exome case(s) and assessed due to predicted null impact of the variant or pathogenic assertions in the literature or databases. Disclaimer: This variant has not undergone full assessment. The following are preliminary notes: MAF

OMIM
Classification: risk factor for PSORIASIS 13, SUSCEPTIBILITY TO. Last evaluated: 2013-10-17. Review status: no assertion criteria provided. Collection method: literature only. Allele origin: germline. Not counted in ClinVar's aggregate classification.

Dr. Peter K. Rogan Lab, Western University
No classification provided (evidence only). Condition: Colorectal cancer. Review status: no classification provided. Collection method: in vitro. Allele origin: not applicable. Functional consequence: skipped exon. Not counted in ClinVar's aggregate classification.

Dr. Peter K. Rogan Lab, Western University
No classification provided (evidence only). Condition: Cholangiocarcinoma. Review status: no classification provided. Collection method: in vitro. Allele origin: not applicable. Functional consequence: skipped exon, retained intron. Not counted in ClinVar's aggregate classification.

Dr. Peter K. Rogan Lab, Western University
No classification provided (evidence only). Condition: Cholangiocarcinoma. Review status: no classification provided. Collection method: in vitro. Allele origin: not applicable. Functional consequence: skipped exon. Not counted in ClinVar's aggregate classification.

Dr. Peter K. Rogan Lab, Western University
No classification provided (evidence only). Condition: Adrenocortical carcinoma, hereditary. Review status: no classification provided. Collection method: in vitro. Allele origin: not applicable. Functional consequence: skipped exon. Not counted in ClinVar's aggregate classification.

Dr. Peter K. Rogan Lab, Western University
No classification provided (evidence only). Condition: Uterine carcinosarcoma. Review status: no classification provided. Collection method: in vitro. Allele origin: not applicable. Functional consequence: retained intron. Not counted in ClinVar's aggregate classification.

Dr. Peter K. Rogan Lab, Western University
No classification provided (evidence only). Condition: Uterine carcinosarcoma. Review status: no classification provided. Collection method: in vitro. Allele origin: not applicable. Functional consequence: retained intron. Not counted in ClinVar's aggregate classification.

Dr. Peter K. Rogan Lab, Western University
No classification provided (evidence only). Condition: Uterine carcinosarcoma. Review status: no classification provided. Collection method: in vitro. Allele origin: not applicable. Functional consequence: retained intron. Not counted in ClinVar's aggregate classification.

Dr. Peter K. Rogan Lab, Western University
No classification provided (evidence only). Condition: Uterine carcinosarcoma. Review status: no classification provided. Collection method: in vitro. Allele origin: not applicable. Functional consequence: retained intron. Not counted in ClinVar's aggregate classification.

Dr. Peter K. Rogan Lab, Western University
No classification provided (evidence only). Condition: Uterine carcinosarcoma. Review status: no classification provided. Collection method: in vitro. Allele origin: not applicable. Functional consequence: retained intron. Not counted in ClinVar's aggregate classification.

Dr. Peter K. Rogan Lab, Western University
No classification provided (evidence only). Condition: Uterine carcinosarcoma. Review status: no classification provided. Collection method: in vitro. Allele origin: not applicable. Functional consequence: retained intron. Not counted in ClinVar's aggregate classification.

Dr. Peter K. Rogan Lab, Western University
No classification provided (evidence only). Condition: Uterine carcinosarcoma. Review status: no classification provided. Collection method: in vitro. Allele origin: not applicable. Functional consequence: skipped exon. Not counted in ClinVar's aggregate classification.

Dr. Peter K. Rogan Lab, Western University
No classification provided (evidence only). Condition: Uveal melanoma. Review status: no classification provided. Collection method: in vitro. Allele origin: not applicable. Functional consequence: skipped exon. Not counted in ClinVar's aggregate classification.

Dr. Peter K. Rogan Lab, Western University
No classification provided (evidence only). Condition: Uveal melanoma. Review status: no classification provided. Collection method: in vitro. Allele origin: not applicable. Functional consequence: retained intron. Not counted in ClinVar's aggregate classification.

Dr. Peter K. Rogan Lab, Western University
No classification provided (evidence only). Condition: Uveal melanoma. Review status: no classification provided. Collection method: in vitro. Allele origin: not applicable. Functional consequence: skipped exon. Not counted in ClinVar's aggregate classification.

Dr. Peter K. Rogan Lab, Western University
No classification provided (evidence only). Condition: Uveal melanoma. Review status: no classification provided. Collection method: in vitro. Allele origin: not applicable. Functional consequence: retained intron. Not counted in ClinVar's aggregate classification.

Dr. Peter K. Rogan Lab, Western University
No classification provided (evidence only). Condition: Uveal melanoma. Review status: no classification provided. Collection method: in vitro. Allele origin: not applicable. Functional consequence: skipped exon. Not counted in ClinVar's aggregate classification.

Dr. Peter K. Rogan Lab, Western University
No classification provided (evidence only). Condition: Uveal melanoma. Review status: no classification provided. Collection method: in vitro. Allele origin: not applicable. Functional consequence: skipped exon, retained intron. Not counted in ClinVar's aggregate classification.

Dr. Peter K. Rogan Lab, Western University
No classification provided (evidence only). Condition: Uveal melanoma. Review status: no classification provided. Collection method: in vitro. Allele origin: not applicable. Functional consequence: skipped exon. Not counted in ClinVar's aggregate classification.

Literature cited by the submitters: PubMed 20953188 (cited by OMIM); PubMed 20953186 (cited by OMIM); PubMed 22581863 (cited by OMIM); PubMed 24120361 (cited by OMIM).